The following is an entry in ClinVar:

ClinVar aggregate classification (germline): Pathogenic. Review status: criteria provided, multiple submitters, no conflicts (2 of 4 stars). 2 submissions from 2 submitters: Pathogenic (2). Last evaluated 2023-08-10.

Conditions:
Alagille syndrome due to a JAG1 point mutation. Also called: Alagille Syndrome 1; HEPATIC DUCTULAR HYPOPLASIA, SYNDROMATIC; JAG1-Related Alagille Syndrome. Identifiers: Orphanet 261619, Orphanet 52, MedGen C1956125, MONDO:0016862, OMIM 118450.

Submissions (2):

Labcorp Genetics (formerly Invitae), Labcorp
Classification: Pathogenic for Alagille syndrome due to a JAG1 point mutation. Last evaluated: 2023-08-10. Review status: criteria provided, single submitter. Criteria: Invitae Variant Classification Sherloc (09022015). Collection method: clinical testing. Allele origin: germline.
Comment: For these reasons, this variant has been classified as Pathogenic. This sequence change creates a premature translational stop signal (p.Ala1008Leufs*32) in the JAG1 gene. It is expected to result in an absent or disrupted protein product. Loss-of-function variants in JAG1 are known to be pathogenic (PMID: 11180599). This variant is not present in population databases (gnomAD no frequency). This variant has not been reported in the literature in individuals affected with JAG1-related conditions. ClinVar contains an entry for this variant (Variation ID: 597776).

Eurofins Ntd Llc (ga)
Classification: Pathogenic. Last evaluated: 2018-06-22. Review status: criteria provided, single submitter. Criteria: EGL ClinVar v180209 classification definitions. Collection method: clinical testing. Allele origin: germline. Observed: 1 variant allele, 1 heterozygote.

Literature cited by the submitters: PubMed 11180599 (cited by Labcorp Genetics (formerly Invitae), Labcorp).

NM_000214.3(JAG1):c.3007_3017dup (p.Ala1008fs)

Gene: JAG1 (jagged canonical Notch ligand 1; minus strand). Cytogenetic location: 20p12.2.
Variant type: Duplication.
Coding change: c.3007_3017dup on transcript NM_000214.3 (MANE Select); coding-DNA positions 3007 to 3017, 11 bases duplicated (GAGCCTTCCCC).
Protein change: p.Ala1008fs; shifts the reading frame from alanine 1008.
Molecular consequence: frameshift variant.
Genome position (GRCh38, 1-based): chr20:10,641,144-10,641,154, GGGGAAGGCTC duplicated on the plus strand (GAGCCTTCCCC on the coding strand, the reverse complement: JAG1 is on the minus strand); duplicating any 11 consecutive bases within chr20:10,641,144-10,641,155 gives the same sequence; the c. name uses the placement nearest the transcript's 3' end. VCF-style (leftmost placement, unchanged base first): chr20-10641143-A-AGGGGAAGGCTC. GRCh37 (hg19) VCF-style: chr20-10621791-A-AGGGGAAGGCTC.
Other names: c.3007_3017dup, p.Ala1008fs (LRG_1191t1); short protein forms A1008fs.
Identifiers: ClinVar variation 597776 (VCV000597776.10), dbSNP rs1600178720, ClinGen allele CA913190618.